The following is an entry in ClinVar:

NM_000094.4(COL7A1):c.4322del (p.Pro1441fs)

Gene: COL7A1 (collagen type VII alpha 1 chain; minus strand). Cytogenetic location: 3p21.31.
Variant type: Deletion.
Coding change: c.4322del on transcript NM_000094.4 (MANE Select); coding-DNA position 4322, one base deleted (C; older notation c.4322delC).
Protein change: p.Pro1441fs; shifts the reading frame from proline 1441.
Molecular consequence: frameshift variant.
Genome position (GRCh38, 1-based): chr3:48,583,737, G deleted on the plus strand (C on the coding strand, the reverse complement: COL7A1 is on the minus strand); the first of 6 consecutive G bases (chr3:48,583,737-48,583,742); deleting any one gives the same sequence. VCF-style (leftmost placement, unchanged base first): chr3-48583736-AG-A. GRCh37 (hg19) VCF-style: chr3-48621169-AG-A.
Other names: short protein forms P1441fs.
Identifiers: ClinVar variation 1071303 (VCV001071303.8), dbSNP rs753185460, ClinGen allele CA2380097.
Genomic context (GRCh38, chr3:48,583,736, plus strand): 5'-TCCCACCCCAGAACTGGGACATCATCAAGTCAGCCTTCCTACTTTTTCTCCTTTCTTTCC[AG>A]GGGGGCCAACGGGGCCTTGGGGTCCAGGGCTTCCGGGAAGACCCTAGGAAGAAGTGAGTA-3'

ClinVar aggregate classification (germline): Pathogenic. Review status: criteria provided, multiple submitters, no conflicts (2 of 4 stars). 4 submissions from 4 submitters: Pathogenic (3). 1 of the submissions does not count toward it. Last evaluated 2024-08-01.

Conditions:
COL7A1-related disorder. Also called: COL7A1- related disorders; COL7A1-related condition.
Epidermolysis bullosa dystrophica. Also called: Dystrophic epidermolysis bullosa, Hallopeau-Siemens type (formerly); Dystrophic epidermolysis bullosa. Identifiers: Orphanet 303, MedGen C0079294, MONDO:0006543.
Recessive dystrophic epidermolysis bullosa (RDEB). Also called: DYSTROPHIC EPIDERMOLYSIS BULLOSA, AUTOSOMAL RECESSIVE; EPIDERMOLYSIS BULLOSA DYSTROPHICA, HALLOPEAU-SIEMENS TYPE; EPIDERMOLYSIS BULLOSA DYSTROPHICA, GENERALIZED SEVERE, AUTOSOMAL RECESSIVE; Epidermolysis Bullosa Distrophica Autosomal Recessive (RDEB); epidermolysis bullosa dystrophica, autosomal recessive; Recessive DEB (RDEB). Identifiers: Orphanet 79408, Orphanet 79409, MedGen C0079474, MONDO:0009179, OMIM 226600.

Submissions (4):

Myriad Genetics, Inc.
Classification: Pathogenic for Recessive dystrophic epidermolysis bullosa. Last evaluated: 2024-08-01. Review status: criteria provided, single submitter. Criteria: Myriad Autosomal Dominant, Autosomal Recessive and X-Linked Classification Criteria (2023). Collection method: clinical testing. Allele origin: unknown.
Comment: NM_000094.3(COL7A1):c.4322delC(P1441Lfs*269) is expected to be pathogenic in the context of dystrophic epidermolysis bullosa. This variant is predicted to lead to an abnormal or absent protein product due to the creation of a premature termination codon in COL7A1, a gene where loss-of-function variants are known to be pathogenic. Please note: this variant was assessed in the context of healthy population screening.

Labcorp Genetics (formerly Invitae), Labcorp
Classification: Pathogenic. Last evaluated: 2023-11-02. Review status: criteria provided, single submitter. Criteria: Invitae Variant Classification Sherloc (09022015). Collection method: clinical testing. Allele origin: germline.
Comment: This sequence change creates a premature translational stop signal (p.Pro1441Leufs*269) in the COL7A1 gene. It is expected to result in an absent or disrupted protein product. Loss-of-function variants in COL7A1 are known to be pathogenic (PMID: 16971478). This variant is present in population databases (rs753185460, gnomAD 0.0009%). This premature translational stop signal has been observed in individual(s) with dystrophic epidermolysis bullosa (PMID: 10504458). This variant is also known as 4317delC. ClinVar contains an entry for this variant (Variation ID: 1071303). For these reasons, this variant has been classified as Pathogenic.

Blueprint Genetics
Classification: Pathogenic for COL7A1-related disorders. Last evaluated: 2019-07-15. Review status: criteria provided, single submitter. Criteria: ACMG Guidelines, 2015. Collection method: clinical testing. Allele origin: germline. Affected: yes. Observed: 1 variant allele.

Natera, Inc.
Classification: Pathogenic for Dystrophic epidermolysis bullosa. Last evaluated: 2021-03-04. Review status: no assertion criteria provided. Collection method: clinical testing. Allele origin: germline. Not counted in ClinVar's aggregate classification.

Literature cited by the submitters: PubMed 16971478 (cited by Labcorp Genetics (formerly Invitae), Labcorp); PubMed 10504458 (cited by Labcorp Genetics (formerly Invitae), Labcorp).